The following is an entry in ClinVar:

ClinVar aggregate classification (germline): Conflicting classifications of pathogenicity. Review status: criteria provided, conflicting classifications (1 of 4 stars). 4 submissions from 4 submitters: Uncertain significance (3); Likely benign (1). Last evaluated 2026-01-28.

Conditions:
Febrile seizures, familial, 4 (FEB4). Also called: CONVULSIONS, FAMILIAL FEBRILE, 4. Identifiers: MedGen C1858493, MONDO:0011443, OMIM 604352.

Allele frequency attached by ClinVar (database versions not stated): TOPMed 0.00001.
gnomAD v4.1: 15 of 1,557,846 alleles (0.00096%); highest among the groups gnomAD compares: African/African-American, 0.0041%; no homozygotes.

Submissions (4):

Dasa
Classification: Uncertain significance for Febrile seizures, familial, 4. Last evaluated: 2026-01-28. Review status: criteria provided, single submitter. Criteria: DASA Assertion Criteria. Collection method: clinical testing. Allele origin: germline.
Comment: NM_032119.4(ADGRV1):c.8291C>G (p.Ser2764Trp) is a missense variant that results in the substitution of serine with tryptophan. This variant is rare in population databases. Computational prediction algorithms are consistent with a benign effect. The currently available literature and clinical evidence are not sufficient to establish a definitive association between this variant and the reported condition. Therefore, this variant is classified as a variant of uncertain significance.

Labcorp Genetics (formerly Invitae), Labcorp
Classification: Likely benign. Last evaluated: 2026-01-20. Review status: criteria provided, single submitter. Criteria: Invitae Variant Classification Sherloc (09022015). Collection method: clinical testing. Allele origin: germline.

Blueprint Genetics
Classification: Uncertain significance. Last evaluated: 2023-11-27. Review status: criteria provided, single submitter. Criteria: ACMG Guidelines, 2015. Collection method: clinical testing. Allele origin: germline.

GeneDx
Classification: Uncertain significance. Last evaluated: 2021-08-12. Review status: criteria provided, single submitter. Criteria: GeneDx Variant Classification Process June 2021. Collection method: clinical testing. Allele origin: germline. Affected: yes.
Comment: Not observed at significant frequency in large population cohorts (Lek et al., 2016); In silico analysis supports that this missense variant has a deleterious effect on protein structure/function; Has not been previously published as pathogenic or benign to our knowledge

NM_032119.4(ADGRV1):c.8291C>G (p.Ser2764Trp)

Gene: ADGRV1 (adhesion G protein-coupled receptor V1; plus strand). Cytogenetic location: 5q14.3.
Variant type: single nucleotide variant.
Coding change: c.8291C>G on transcript NM_032119.4 (MANE Select); coding-DNA position 8291, C replaced by G.
Protein change: p.Ser2764Trp; replaces serine 2764 with tryptophan.
Molecular consequence: missense variant. On other transcripts: non-coding transcript variant (1).
Genome position (GRCh38, 1-based): chr5:90,704,393, C>G. VCF-style: chr5-90704393-C-G. GRCh37 (hg19) VCF-style: chr5-90000210-C-G.
Other names: short protein forms S2764W.
Identifiers: ClinVar variation 941159 (VCV000941159.12), dbSNP rs16869016, ClinGen allele CA3340225.